The following is an entry in ClinVar:

NM_001165963.4(SCN1A):c.3853dup (p.Cys1285fs)

Genes: SCN1A (sodium voltage-gated channel alpha subunit 1; minus strand), LOC102724058 (uncharacterized LOC102724058; plus strand). Cytogenetic location: 2q24.3.
Variant type: Duplication.
Coding change: c.3853dup on transcript NM_001165963.4 (MANE Select); coding-DNA position 3853, one base duplicated (T; older notation c.3853dupT).
Protein change: p.Cys1285fs; shifts the reading frame from cysteine 1285.
Molecular consequence: frameshift variant. On other transcripts: non-coding transcript variant (1).
Genome position (GRCh38, 1-based): chr2:166,012,135, A duplicated on the plus strand (T on the coding strand, the reverse complement: SCN1A is on the minus strand). VCF-style (leftmost placement, unchanged base first): chr2-166012134-C-CA. GRCh37 (hg19) VCF-style: chr2-166868644-C-CA.
Other names: c.3769dup, p.Cys1257fs (NM_001165964.3, NM_001353957.2, NM_001353958.2); c.3853dup, p.Cys1285fs (NM_001202435.3, NM_001353948.2); c.3820dup, p.Cys1274fs (NM_001353949.2, NM_001353950.2, NM_001353951.2 and 2 more transcripts); c.3817dup, p.Cys1273fs (NM_001353954.2, NM_001353955.2); c.3766dup, p.Cys1256fs (NM_001353960.2); c.1411dup, p.Cys471fs (NM_001353961.2); short protein forms C1273fs, C1274fs, C1256fs, C1257fs, C471fs, C1285fs.
Identifiers: ClinVar variation 206912 (VCV000206912.1), dbSNP rs796053074, ClinGen allele CA317730.
Genomic context (GRCh38, chr2:166,012,134, plus strand): 5'-CCTTGAACAGAGACAAAAATATGAACGATACCTACATCAACAATTAAGAAGTCCAGCCAA[C>CA]ACCAGGCATTGGTGAAATATGTTTGATAGCCATATGCCACCCATTTTAGAAGCATTTCCA-3'

ClinVar aggregate classification (germline): Pathogenic (1 of 4 stars; one submission).

Submission:

GeneDx
Classification: Pathogenic. Last evaluated: 2014-05-22. Review status: criteria provided, single submitter. Criteria: GeneDx Variant Classification (06012015). Collection method: clinical testing. Allele origin: germline. Affected: yes.
Comment: c.3853dupT: p.Cys1285LeufsX9 (C1285LfsX9) in exon 19 of the SCN1A gene (NM_001165963.1). The normal sequence with the base that is duplicated in braces is: CTGG{T}GTTG. The c.3853dupT mutation in the SCN1A gene causes a frameshift starting with codon Cysteine 1285, changes this amino acid to a Leucine residue and creates a premature Stop codon at position 9 of the new reading frame, denoted p.Cys1285LeufsX9. This mutation is predicted to cause loss of normal protein function either through protein truncation or nonsense-mediated mRNA decay. Although this mutation has not been previously reported to our knowledge, its presence is consistent with a diagnosis of a SCN1A-related disorder. The variant is found in EPILEPSY panel(s).